The following is an entry in ClinVar:

NM_000321.3(RB1):c.684A>C (p.Lys228Asn)

Gene: RB1 (RB transcriptional corepressor 1; plus strand). Cytogenetic location: 13q14.2.
Variant type: single nucleotide variant.
Coding change: c.684A>C on transcript NM_000321.3 (MANE Select); coding-DNA position 684, A replaced by C.
Protein change: p.Lys228Asn; replaces lysine 228 with asparagine.
Molecular consequence: missense variant.
Genome position (GRCh38, 1-based): chr13:48,360,093, A>C. VCF-style: chr13-48360093-A-C. GRCh37 (hg19) VCF-style: chr13-48934229-A-C.
Other names: c.684A>C, p.Lys228Asn (NM_001407165.1, NM_001407166.1); short protein forms K228N.
Identifiers: ClinVar variation 3430872 (VCV003430872.1).

ClinVar aggregate classification (germline): Uncertain significance (1 of 4 stars; one submission).

Conditions:
Hereditary cancer-predisposing syndrome. Also called: Neoplastic Syndromes, Hereditary; Tumor predisposition; Hereditary Cancer Syndrome; Hereditary neoplastic syndrome. Identifiers: Orphanet 140162, MedGen C0027672, MeSH D009386, MONDO:0015356.

Submission:

Ambry Genetics
Classification: Uncertain significance for Hereditary cancer-predisposing syndrome. Last evaluated: 2024-08-08. Review status: criteria provided, single submitter. Criteria: Ambry Variant Classification Scheme 2023. Collection method: clinical testing. Allele origin: germline.
Comment: The p.K228N variant (also known as c.684A>C), located in coding exon 7 of the RB1 gene, results from an A to C substitution at nucleotide position 684. The lysine at codon 228 is replaced by asparagine, an amino acid with similar properties. This amino acid position is conserved. In addition, this alteration is predicted to be tolerated by in silico analysis. Based on the available evidence, the clinical significance of this variant remains unclear.